The following is an entry in ClinVar:

NM_006941.4(SOX10):c.1125C>T (p.Thr375=)

Genes: POLR2F (RNA polymerase II, I and III subunit F; plus strand), SOX10 (SRY-box transcription factor 10; minus strand). Cytogenetic location: 22q13.1.
Variant type: single nucleotide variant.
Coding change: c.1125C>T on transcript NM_006941.4 (MANE Select); coding-DNA position 1125, C replaced by T.
Protein change: p.Thr375=; no amino-acid change (threonine 375 retained).
Molecular consequence: synonymous variant. On other transcripts: intron variant (3).
Genome position (GRCh38, 1-based): chr22:37,973,771, G>A on the plus strand (C>T on the coding strand, the complement: SOX10 is on the minus strand). VCF-style: chr22-37973771-G-A. GRCh37 (hg19) VCF-style: chr22-38369778-G-A.
Other names: c.*38+1461G>A (NM_001363825.1); c.293+6601G>A (NM_001301130.2, NM_001301131.2).
Identifiers: ClinVar variation 504832 (VCV000504832.16), dbSNP rs147817756, ClinGen allele CA10228521.

ClinVar aggregate classification (germline): Likely benign. Review status: criteria provided, multiple submitters, no conflicts (2 of 4 stars). 3 submissions from 3 submitters: Likely benign (3). Last evaluated 2025-07-20.

Allele frequency attached by ClinVar (database versions not stated): gnomAD exomes 0.00016 and 0.00030; TOPMed 0.00008; ExAC 0.00052; ESP Exome Variant Server 0.00008; gnomAD 0.00008.
gnomAD v4.1: 256 of 1,596,118 alleles (0.016%); highest among the groups gnomAD compares: Non-Finnish European, 0.019%; no homozygotes.

Submissions (3):

Labcorp Genetics (formerly Invitae), Labcorp
Classification: Likely benign. Last evaluated: 2025-07-20. Review status: criteria provided, single submitter. Criteria: Invitae Variant Classification Sherloc (09022015). Collection method: clinical testing. Allele origin: germline.

Blueprint Genetics
Classification: Likely benign. Last evaluated: 2023-04-21. Review status: criteria provided, single submitter. Criteria: ACMG Guidelines, 2015. Collection method: clinical testing. Allele origin: germline.

Laboratory for Molecular Medicine, Mass General Brigham Personalized Medicine
Classification: Likely benign. Last evaluated: 2016-07-07. Review status: criteria provided, single submitter. Criteria: LMM Criteria. Collection method: clinical testing. Allele origin: germline. Observed: 1 variant allele.
Comment: p.Thr375Thr in exon 4 of SOX10: This variant is not expected to have clinical si gnificance because it does not alter an amino acid residue and is not located wi thin the splice consensus sequence. It has been identified in 59/65842 European chromosomes by the Exome Aggregation Consortium (ExAC; dbSNP rs147817756).